The following is an entry in ClinVar:

NM_000080.4(CHRNE):c.851C>T (p.Thr284Ile)

Genes: C17orf107 (chromosome 17 open reading frame 107; plus strand), CHRNE (cholinergic receptor nicotinic epsilon subunit; minus strand). Cytogenetic location: 17p13.2.
Variant type: single nucleotide variant.
Coding change: c.851C>T on transcript NM_000080.4 (MANE Select); coding-DNA position 851, C replaced by T.
Protein change: p.Thr284Ile; replaces threonine 284 with isoleucine.
Molecular consequence: missense variant. On other transcripts: 3 prime UTR variant (1).
Genome position (GRCh38, 1-based): chr17:4,900,859, G>A on the plus strand (C>T on the coding strand, the complement: CHRNE is on the minus strand). VCF-style: chr17-4900859-G-A. GRCh37 (hg19) VCF-style: chr17-4804154-G-A.
Other names: c.*326G>A (NM_001145536.2); short protein forms T284I.
Identifiers: ClinVar variation 2414469 (VCV002414469.4), dbSNP rs1040580878, ClinGen allele CA287182671.

ClinVar aggregate classification (germline): Uncertain significance. Review status: criteria provided, multiple submitters, no conflicts (2 of 4 stars). 2 submissions from 2 submitters: Uncertain significance (2). Last evaluated 2024-11-21.

Conditions:
Congenital myasthenic syndrome 4A. Also called: Myasthenic syndrome, congenital, 4a, slow-channel; CONGENITAL MYASTHENIC SYNDROME TYPE Ia1; MYASTHENIC SYNDROME, CONGENITAL, 4A, SLOW-CHANNEL, AUTOSOMAL RECESSIVE. Identifiers: Orphanet 590, MedGen C4225413, MONDO:0011600, OMIM 605809.

Allele frequency attached by ClinVar (database versions not stated): gnomAD exomes below 0.00001.
gnomAD v4.1: 1 of 1,614,206 alleles (0.000062%); highest among the groups gnomAD compares: Non-Finnish European, 0.000085%; no homozygotes.

Submissions (2):

GeneDx
Classification: Uncertain significance. Last evaluated: 2024-11-21. Review status: criteria provided, single submitter. Criteria: GeneDx Variant Classification Process June 2021. Collection method: clinical testing. Allele origin: germline. Affected: yes.
Comment: Not observed at significant frequency in large population cohorts (gnomAD); In silico analysis supports that this missense variant has a deleterious effect on protein structure/function; Has not been previously published as pathogenic or benign to our knowledge

Labcorp Genetics (formerly Invitae), Labcorp
Classification: Uncertain significance for Congenital myasthenic syndrome 4A. Last evaluated: 2022-10-13. Review status: criteria provided, single submitter. Criteria: Invitae Variant Classification Sherloc (09022015). Collection method: clinical testing. Allele origin: germline.
Comment: This sequence change replaces threonine, which is neutral and polar, with isoleucine, which is neutral and non-polar, at codon 284 of the CHRNE protein (p.Thr284Ile). This variant is not present in population databases (gnomAD no frequency). This variant has not been reported in the literature in individuals affected with CHRNE-related conditions. Advanced modeling of protein sequence and biophysical properties (such as structural, functional, and spatial information, amino acid conservation, physicochemical variation, residue mobility, and thermodynamic stability) has been performed at Invitae for this missense variant, however the output from this modeling did not meet the statistical confidence thresholds required to predict the impact of this variant on CHRNE protein function. This variant disrupts the p.Thr284 amino acid residue in CHRNE. Other variant(s) that disrupt this residue have been determined to be pathogenic (PMID: 7531341; Invitae). This suggests that this residue is clinically significant, and that variants that disrupt this residue are likely to be disease-causing. In summary, the available evidence is currently insufficient to determine the role of this variant in disease. Therefore, it has been classified as a Variant of Uncertain Significance.

Literature cited by the submitters: PubMed 7531341 (cited by Labcorp Genetics (formerly Invitae), Labcorp).